The following is an entry in ClinVar:

NM_001165963.4(SCN1A):c.3942del (p.Leu1315fs)

Genes: SCN1A (sodium voltage-gated channel alpha subunit 1; minus strand), LOC102724058 (uncharacterized LOC102724058; plus strand). Cytogenetic location: 2q24.3.
Variant type: Deletion.
Coding change: c.3942del on transcript NM_001165963.4 (MANE Select); coding-DNA position 3942, one base deleted (T; older notation c.3942delT).
Protein change: p.Leu1315fs; shifts the reading frame from leucine 1315.
Molecular consequence: frameshift variant. On other transcripts: non-coding transcript variant (1).
Genome position (GRCh38, 1-based): chr2:166,009,779, A deleted on the plus strand (T on the coding strand, the reverse complement: SCN1A is on the minus strand). VCF-style (leftmost placement, unchanged base first): chr2-166009778-GA-G. GRCh37 (hg19) VCF-style: chr2-166866288-GA-G.
Other names: c.3858del, p.Leu1287fs (NM_001165964.3, NM_001353957.2, NM_001353958.2); c.3942del, p.Leu1315fs (NM_001202435.3, NM_001353948.2); c.3909del, p.Leu1304fs (NM_001353949.2, NM_001353950.2, NM_001353951.2 and 2 more transcripts); c.3906del, p.Leu1303fs (NM_001353954.2, NM_001353955.2); c.3855del, p.Leu1286fs (NM_001353960.2); c.1500del, p.Leu501fs (NM_001353961.2); short protein forms L501fs, L1286fs, L1303fs, L1315fs, L1287fs, L1304fs.
Identifiers: ClinVar variation 1454302 (VCV001454302.7), dbSNP rs2105570349, ClinGen allele CA2573133487.

ClinVar aggregate classification (germline): Pathogenic (1 of 4 stars; one submission).

Conditions:
Early-infantile DEE. Also called: Early infantile epileptic encephalopathy with suppression bursts; Early infantile epileptic encephalopathy; Ohtahara syndrome. Identifiers: Orphanet 1934, MedGen C0393706, MONDO:0800491.

Submission:

Labcorp Genetics (formerly Invitae), Labcorp
Classification: Pathogenic for Early-infantile DEE. Last evaluated: 2022-11-15. Review status: criteria provided, single submitter. Criteria: Invitae Variant Classification Sherloc (09022015). Collection method: clinical testing. Allele origin: germline.
Comment: For these reasons, this variant has been classified as Pathogenic. ClinVar contains an entry for this variant (Variation ID: 1454302). This variant has not been reported in the literature in individuals affected with SCN1A-related conditions. This variant is not present in population databases (gnomAD no frequency). This sequence change creates a premature translational stop signal (p.Leu1315Serfs*4) in the SCN1A gene. It is expected to result in an absent or disrupted protein product. Loss-of-function variants in SCN1A are known to be pathogenic (PMID: 17347258, 18930999).

Literature cited by the submitters: PubMed 17347258; PubMed 18930999.